The following is an entry in ClinVar:

NM_012338.4(TSPAN12):c.468+2T>C

Gene: TSPAN12 (tetraspanin 12; minus strand). Cytogenetic location: 7q31.31.
Variant type: single nucleotide variant.
Coding change: c.468+2T>C on transcript NM_012338.4 (MANE Select); the canonical splice donor site of the intron after coding-DNA position 468, T replaced by C.
Molecular consequence: splice donor variant.
Genome position (GRCh38, 1-based): chr7:120,810,461, A>G on the plus strand (T>C on the coding strand, the complement: TSPAN12 is on the minus strand). VCF-style: chr7-120810461-A-G. GRCh37 (hg19) VCF-style: chr7-120450515-A-G.
Identifiers: ClinVar variation 4809050 (VCV004809050.1).

ClinVar aggregate classification (germline): Likely pathogenic (1 of 4 stars; one submission).

gnomAD v4.1: 2 of 1,581,502 alleles (0.00013%); highest among the groups gnomAD compares: Middle Eastern, 0.017%; no homozygotes.

Submission:

Labcorp Genetics (formerly Invitae), Labcorp
Classification: Likely pathogenic. Last evaluated: 2025-09-30. Review status: criteria provided, single submitter. Criteria: Invitae Variant Classification Sherloc (09022015). Collection method: clinical testing. Allele origin: germline.
Comment: This sequence change affects a donor splice site in intron 6 of the TSPAN12 gene. It is expected to disrupt RNA splicing. Variants that disrupt the donor or acceptor splice site typically lead to a loss of protein function (PMID: 16199547), and loss-of-function variants in TSPAN12 are known to be pathogenic (PMID: 20159112, 21334594). This variant is not present in population databases (gnomAD no frequency). This variant has not been reported in the literature in individuals affected with TSPAN12-related conditions. Algorithms developed to predict the effect of sequence changes on RNA splicing suggest that this variant may disrupt the consensus splice site. In summary, the currently available evidence indicates that the variant is pathogenic, but additional data are needed to prove that conclusively. Therefore, this variant has been classified as Likely Pathogenic.

Literature cited by the submitters: PubMed 16199547; PubMed 20159112; PubMed 21334594.